The following is an entry in ClinVar:

NM_177972.3(TUB):c.632C>T (p.Ser211Phe)

Genes: RIC3 (RIC3 acetylcholine receptor chaperone; minus strand), TUB (TUB bipartite transcription factor; plus strand). Cytogenetic location: 11p15.4.
Variant type: single nucleotide variant.
Coding change: c.632C>T on transcript NM_177972.3 (MANE Select); coding-DNA position 632, C replaced by T.
Protein change: p.Ser211Phe; replaces serine 211 with phenylalanine.
Molecular consequence: missense variant.
Genome position (GRCh38, 1-based): chr11:8,096,751, C>T. VCF-style: chr11-8096751-C-T. GRCh37 (hg19) VCF-style: chr11-8118298-C-T.
Other names: c.797C>T, p.Ser266Phe (NM_003320.5); short protein forms S211F, S266F.
Identifiers: ClinVar variation 2124771 (VCV002124771.4), dbSNP rs754956594, ClinGen allele CA5871172.

ClinVar aggregate classification (germline): Uncertain significance (1 of 4 stars; one submission).

Allele frequency attached by ClinVar (database versions not stated): ExAC 0.00001; gnomAD exomes 0.00001.
gnomAD v4.1: 12 of 1,614,152 alleles (0.00074%); highest among the groups gnomAD compares: Non-Finnish European, 0.001%; no homozygotes.

Submission:

Labcorp Genetics (formerly Invitae), Labcorp
Classification: Uncertain significance. Last evaluated: 2022-04-11. Review status: criteria provided, single submitter. Criteria: Invitae Variant Classification Sherloc (09022015). Collection method: clinical testing. Allele origin: germline.
Comment: In summary, the available evidence is currently insufficient to determine the role of this variant in disease. Therefore, it has been classified as a Variant of Uncertain Significance. Algorithms developed to predict the effect of missense changes on protein structure and function are either unavailable or do not agree on the potential impact of this missense change (SIFT: "Deleterious"; PolyPhen-2: "Probably Damaging"; Align-GVGD: "Class C0"). This variant has not been reported in the literature in individuals affected with TUB-related conditions. This variant is present in population databases (rs754956594, gnomAD 0.003%). This sequence change replaces serine, which is neutral and polar, with phenylalanine, which is neutral and non-polar, at codon 266 of the TUB protein (p.Ser266Phe).